The following is an entry in ClinVar:

NM_000168.6(GLI3):c.352A>C (p.Met118Leu)

Gene: GLI3 (GLI family zinc finger 3; minus strand). Cytogenetic location: 7p14.1.
Variant type: single nucleotide variant.
Coding change: c.352A>C on transcript NM_000168.6 (MANE Select); coding-DNA position 352, A replaced by C.
Protein change: p.Met118Leu; replaces methionine 118 with leucine.
Molecular consequence: missense variant.
Genome position (GRCh38, 1-based): chr7:42,148,241, T>G on the plus strand (A>C on the coding strand, the complement: GLI3 is on the minus strand). VCF-style: chr7-42148241-T-G. GRCh37 (hg19) VCF-style: chr7-42187840-T-G.
Other names: short protein forms M118L.
Identifiers: ClinVar variation 3250975 (VCV003250975.18), dbSNP rs201424424.

ClinVar aggregate classification (germline): Uncertain significance (1 of 4 stars; one submission).

Submission:

CeGaT Center for Human Genetics Tuebingen
Classification: Uncertain significance. Last evaluated: 2024-06-01. Review status: criteria provided, single submitter. Criteria: CeGaT Center For Human Genetics Tuebingen Variant Classification Criteria Version 2. Collection method: clinical testing. Allele origin: germline. Affected: yes. Observed: 1 variant allele.
Comment: GLI3: PM2, BP4